The following is an entry in ClinVar:

NM_005475.3(SH2B3):c.218G>A (p.Arg73His)

Gene: SH2B3 (SH2B adaptor protein 3; plus strand). Cytogenetic location: 12q24.12.
Variant type: single nucleotide variant.
Coding change: c.218G>A on transcript NM_005475.3 (MANE Select); coding-DNA position 218, G replaced by A.
Protein change: p.Arg73His; replaces arginine 73 with histidine.
Molecular consequence: missense variant.
Genome position (GRCh38, 1-based): chr12:111,418,363, G>A. VCF-style: chr12-111418363-G-A. GRCh37 (hg19) VCF-style: chr12-111856167-G-A.
Other names: short protein forms R73H.
Identifiers: ClinVar variation 3795034 (VCV003795034.1).

ClinVar aggregate classification (germline): Uncertain significance (1 of 4 stars; one submission).

Conditions:
Inborn genetic diseases. Identifiers: MedGen C0950123, MeSH D030342.

Submission:

Ambry Genetics
Classification: Uncertain significance for Inborn genetic diseases. Last evaluated: 2024-12-22. Review status: criteria provided, single submitter. Criteria: Ambry Variant Classification Scheme 2023. Collection method: clinical testing. Allele origin: germline.
Comment: The p.R73H variant (also known as c.218G>A), located in coding exon 1 of the SH2B3 gene, results from a G to A substitution at nucleotide position 218. The arginine at codon 73 is replaced by histidine, an amino acid with highly similar properties. This amino acid position is conserved. In addition, this alteration is predicted to be tolerated by in silico analysis. Based on the available evidence, the clinical significance of this variant remains unclear.